The following is an entry in ClinVar:

NM_001379110.1(SLC9A6):c.42C>T (p.Ser14=)

Gene: SLC9A6 (solute carrier family 9 member A6; plus strand). Cytogenetic location: Xq26.3.
Variant type: single nucleotide variant.
Coding change: c.42C>T on transcript NM_001379110.1 (MANE Select); coding-DNA position 42, C replaced by T.
Protein change: p.Ser14=; no amino-acid change (serine 14 retained).
Molecular consequence: synonymous variant.
Genome position (GRCh38, 1-based): chrX:135,985,700, C>T. VCF-style: chrX-135985700-C-T. GRCh37 (hg19) VCF-style: chrX-135067859-C-T.
Other names: c.198C>T, p.Ser66= (NM_001042537.2, NM_006359.3); c.42C>T, p.Ser14= (NM_001177651.2, NM_001330652.2).
Identifiers: ClinVar variation 389942 (VCV000389942.4), dbSNP rs1057523594, ClinGen allele CA16608698.

ClinVar aggregate classification (germline): Likely benign. Review status: criteria provided, multiple submitters, no conflicts (2 of 4 stars). 2 submissions from 2 submitters: Likely benign (2). Last evaluated 2023-12-18.

Conditions:
Christianson syndrome (MRXSCH). Also called: SLC9A6-Related Syndromic Mental Retardation; INTELLECTUAL DEVELOPMENTAL DISORDER, X-LINKED, SYNDROMIC, CHRISTIANSON TYPE; X-linked mental retardation, syndromic, Christianson type. Identifiers: Orphanet 85278, MedGen C2678194, MONDO:0010278, OMIM 300243.

Allele frequency attached by ClinVar (database versions not stated): gnomAD exomes below 0.00001.
gnomAD v4.1: 3 of 1,211,887 alleles (0.00025%); highest among the groups gnomAD compares: Non-Finnish European, 0.00022%; no homozygotes.

Submissions (2):

Labcorp Genetics (formerly Invitae), Labcorp
Classification: Likely benign for Christianson syndrome. Last evaluated: 2023-12-18. Review status: criteria provided, single submitter. Criteria: Invitae Variant Classification Sherloc (09022015). Collection method: clinical testing. Allele origin: germline.

GeneDx
Classification: Likely benign. Last evaluated: 2016-10-12. Review status: criteria provided, single submitter. Criteria: GeneDx Variant Classification (06012015). Collection method: clinical testing. Allele origin: germline. Affected: yes.
Comment: This variant is considered likely benign or benign based on one or more of the following criteria: it is a conservative change, it occurs at a poorly conserved position in the protein, it is predicted to be benign by multiple in silico algorithms, and/or has population frequency not consistent with disease.